The following is an entry in ClinVar:

ClinVar aggregate classification (germline): Uncertain significance (1 of 4 stars; one submission).

Conditions:
Thrombophilia due to protein C deficiency, autosomal dominant. Also called: PROC DEFICIENCY, AUTOSOMAL DOMINANT; PROTEIN C DEFICIENCY, AUTOSOMAL DOMINANT. Identifiers: Orphanet 745, MedGen C2674321, MONDO:0008316, OMIM 176860. Disease mechanism: loss of function.

Submission:

Labcorp Genetics (formerly Invitae), Labcorp
Classification: Uncertain significance for Thrombophilia due to protein C deficiency, autosomal dominant. Last evaluated: 2025-01-08. Review status: criteria provided, single submitter. Criteria: Invitae Variant Classification Sherloc (09022015). Collection method: clinical testing. Allele origin: germline.
Comment: This sequence change replaces alanine, which is neutral and non-polar, with valine, which is neutral and non-polar, at codon 306 of the PROC protein (p.Ala306Val). This variant is not present in population databases (gnomAD no frequency). This variant has not been reported in the literature in individuals affected with PROC-related conditions. Invitae Evidence Modeling of protein sequence and biophysical properties (such as structural, functional, and spatial information, amino acid conservation, physicochemical variation, residue mobility, and thermodynamic stability) indicates that this missense variant is not expected to disrupt PROC protein function with a negative predictive value of 80%. In summary, the available evidence is currently insufficient to determine the role of this variant in disease. Therefore, it has been classified as a Variant of Uncertain Significance.

NM_000312.4(PROC):c.917C>T (p.Ala306Val)

Gene: PROC (protein C, inactivator of coagulation factors Va and VIIIa; plus strand). Cytogenetic location: 2q14.3.
Variant type: single nucleotide variant.
Coding change: c.917C>T on transcript NM_000312.4 (MANE Select); coding-DNA position 917, C replaced by T.
Protein change: p.Ala306Val; replaces alanine 306 with valine.
Molecular consequence: missense variant.
Genome position (GRCh38, 1-based): chr2:127,428,477, C>T. VCF-style: chr2-127428477-C-T. GRCh37 (hg19) VCF-style: chr2-128186053-C-T.
Other names: c.1100C>T, p.Ala367Val (NM_001375602.1); c.1082C>T, p.Ala361Val (NM_001375603.1); c.980C>T, p.Ala327Val (NM_001375604.1); c.1019C>T, p.Ala340Val (NM_001375605.1); c.1085C>T, p.Ala362Val (NM_001375606.1); c.1103C>T, p.Ala368Val (NM_001375607.1); c.860C>T, p.Ala287Val (NM_001375608.1); c.893C>T, p.Ala298Val (NM_001375609.1); and 2 more; short protein forms A287V, A298V, A304V, A306V, A327V, A340V, A361V, A362V.
Identifiers: ClinVar variation 3611332 (VCV003611332.2).